The following is an entry in ClinVar:

ClinVar aggregate classification (germline): Uncertain significance (1 of 4 stars; one submission).

Submission:

Labcorp Genetics (formerly Invitae), Labcorp
Classification: Uncertain significance. Last evaluated: 2022-04-02. Review status: criteria provided, single submitter. Criteria: Invitae Variant Classification Sherloc (09022015). Collection method: clinical testing. Allele origin: germline.
Comment: Algorithms developed to predict the effect of missense changes on protein structure and function (SIFT, PolyPhen-2, Align-GVGD) all suggest that this variant is likely to be tolerated. This sequence change replaces arginine, which is basic and polar, with glycine, which is neutral and non-polar, at codon 1058 of the PTPN23 protein (p.Arg1058Gly). This variant is not present in population databases (gnomAD no frequency). This variant has not been reported in the literature in individuals affected with PTPN23-related conditions. In summary, the available evidence is currently insufficient to determine the role of this variant in disease. Therefore, it has been classified as a Variant of Uncertain Significance.

NM_015466.4(PTPN23):c.3172A>G (p.Arg1058Gly)

Gene: PTPN23 (protein tyrosine phosphatase non-receptor type 23; plus strand). Cytogenetic location: 3p21.31.
Variant type: single nucleotide variant.
Coding change: c.3172A>G on transcript NM_015466.4 (MANE Select); coding-DNA position 3172, A replaced by G.
Protein change: p.Arg1058Gly; replaces arginine 1058 with glycine.
Molecular consequence: missense variant.
Genome position (GRCh38, 1-based): chr3:47,410,970, A>G. VCF-style: chr3-47410970-A-G. GRCh37 (hg19) VCF-style: chr3-47452460-A-G.
Other names: c.2794A>G, p.Arg932Gly (NM_001304482.2); short protein forms R932G, R1058G.
Identifiers: ClinVar variation 2100046 (VCV002100046.4), dbSNP rs1576231451, ClinGen allele CA352561281.